The following is an entry in ClinVar:

NM_005726.6(TSFM):c.192dup (p.Lys65fs)

Gene: TSFM (Ts translation elongation factor, mitochondrial; plus strand). Cytogenetic location: 12q14.1.
Variant type: Duplication.
Coding change: c.192dup on transcript NM_005726.6 (MANE Select); coding-DNA position 192, one base duplicated (C; older notation c.192dupC).
Protein change: p.Lys65fs; shifts the reading frame from lysine 65.
Molecular consequence: frameshift variant.
Genome position (GRCh38, 1-based): chr12:57,783,244, C duplicated. VCF-style (leftmost placement, unchanged base first): chr12-57783243-G-GC. GRCh37 (hg19) VCF-style: chr12-58177026-G-GC.
Other names: c.192dup, p.Lys65fs (NM_001172696.2, NM_001172697.2, NM_001172695.2); short protein forms K65fs.
Identifiers: ClinVar variation 2698339 (VCV002698339.3), dbSNP rs2540943169, ClinGen allele CA2697559318.

ClinVar aggregate classification (germline): Pathogenic (1 of 4 stars; one submission).

Submission:

Labcorp Genetics (formerly Invitae), Labcorp
Classification: Pathogenic. Last evaluated: 2023-11-24. Review status: criteria provided, single submitter. Criteria: Invitae Variant Classification Sherloc (09022015). Collection method: clinical testing. Allele origin: germline.
Comment: This sequence change creates a premature translational stop signal (p.Lys65Glnfs*60) in the TSFM gene. It is expected to result in an absent or disrupted protein product. Loss-of-function variants in TSFM are known to be pathogenic (PMID: 17033963, 20435138, 25037205, 27677415). This variant is not present in population databases (gnomAD no frequency). This variant has not been reported in the literature in individuals affected with TSFM-related conditions. For these reasons, this variant has been classified as Pathogenic.

Literature cited by the submitters: PubMed 17033963; PubMed 20435138; PubMed 25037205; PubMed 27677415.